The following is an entry in ClinVar:

ClinVar aggregate classification (germline): Pathogenic/Likely pathogenic. Review status: criteria provided, multiple submitters, no conflicts (2 of 4 stars). 2 submissions from 2 submitters: Pathogenic (1); Likely pathogenic (1). Last evaluated 2025-06-03.

Submissions (2):

GeneDx
Classification: Likely pathogenic. Last evaluated: 2025-06-03. Review status: criteria provided, single submitter. Criteria: GeneDx Variant Classification Process June 2021. Collection method: clinical testing. Allele origin: germline. Affected: yes.
Comment: Frameshift variant predicted to result in protein truncation or nonsense mediated decay in a gene for which loss of function is a known mechanism of disease; Not observed at significant frequency in large population cohorts (gnomAD); Has not been previously published as pathogenic or benign to our knowledge

Labcorp Genetics (formerly Invitae), Labcorp
Classification: Pathogenic. Last evaluated: 2022-02-22. Review status: criteria provided, single submitter. Criteria: Invitae Variant Classification Sherloc (09022015). Collection method: clinical testing. Allele origin: germline.
Comment: This variant has not been reported in the literature in individuals affected with KLHL7-related conditions. For these reasons, this variant has been classified as Pathogenic. This variant is not present in population databases (gnomAD no frequency). This sequence change creates a premature translational stop signal (p.Leu366Argfs*35) in the KLHL7 gene. It is expected to result in an absent or disrupted protein product. Loss-of-function variants in KLHL7 are known to be pathogenic (PMID: 27392078, 29074562, 30426380, 31953236).

Literature cited by the submitters: PubMed 27392078 (cited by Labcorp Genetics (formerly Invitae), Labcorp); PubMed 29074562 (cited by Labcorp Genetics (formerly Invitae), Labcorp); PubMed 30426380 (cited by Labcorp Genetics (formerly Invitae), Labcorp); PubMed 31953236 (cited by Labcorp Genetics (formerly Invitae), Labcorp).

NM_001031710.3(KLHL7):c.1097_1098del (p.Leu366fs)

Gene: KLHL7 (kelch like family member 7; plus strand). Cytogenetic location: 7p15.3.
Variant type: Deletion.
Coding change: c.1097_1098del on transcript NM_001031710.3 (MANE Select); coding-DNA positions 1097 to 1098, 2 bases deleted (TG; older notation c.1097_1098delTG).
Protein change: p.Leu366fs; shifts the reading frame from leucine 366.
Molecular consequence: frameshift variant. On other transcripts: non-coding transcript variant (1).
Genome position (GRCh38, 1-based): chr7:23,165,858-23,165,859, TG deleted. VCF-style (leftmost placement, unchanged base first): chr7-23165857-CTG-C. GRCh37 (hg19) VCF-style: chr7-23205476-CTG-C.
Other names: c.1097_1098del (NM_001031710.2); c.953_954del, p.Leu318fs (NM_018846.5); short protein forms L318fs, L366fs.
Identifiers: ClinVar variation 2101759 (VCV002101759.5), dbSNP rs2534925510, ClinGen allele CA2580076949.